The following is an entry in ClinVar:

NM_001393504.1(MAST3):c.846C>T (p.Ala282=)

Gene: MAST3 (microtubule associated serine/threonine kinase 3; plus strand). Cytogenetic location: 19p13.11.
Variant type: single nucleotide variant.
Coding change: c.846C>T on transcript NM_001393504.1 (MANE Select); coding-DNA position 846, C replaced by T.
Protein change: p.Ala282=; no amino-acid change (alanine 282 retained).
Molecular consequence: synonymous variant.
Genome position (GRCh38, 1-based): chr19:18,124,267, C>T. VCF-style: chr19-18124267-C-T. GRCh37 (hg19) VCF-style: chr19-18235077-C-T.
Other names: c.798C>T, p.Ala266= (NM_001393506.1, NM_001393513.1); c.825C>T, p.Ala275= (NM_001393507.1); c.780C>T, p.Ala260= (NM_001393508.1, NM_001393516.1); c.777C>T, p.Ala259= (NM_001393509.1, NM_001393510.1, NM_001393512.1 and 2 more transcripts); c.774C>T, p.Ala258= (NM_001393511.1, NM_001393519.1); c.759C>T, p.Ala253= (NM_001393514.1, NM_015016.2); c.756C>T, p.Ala252= (NM_001393515.1, NM_001393520.1); c.732C>T, p.Ala244= (NM_001393521.1); and 4 more.
Identifiers: ClinVar variation 4820920 (VCV004820920.4).
Genomic context (GRCh38, chr19:18,124,267, plus strand): 5'-TCCCCAGGCCAGACGGTGCTGAGGACCTGTGGGTGATGCCACGACCCACCTCCCCCAGGC[C>T]CATGAGCGTTCGGACAGTGAGGAGGTCAGCTTCATCGTCCAGCTTGTCCGGAAACTGCTG-3'
Protein context (NP_001380433.1, residues 272-292): QEKLERLLQD[Ala282=]HERSDSEEVS

ClinVar aggregate classification (germline): Likely benign (1 of 4 stars; one submission).

gnomAD v4.1: 234 of 1,605,190 alleles (0.015%); highest among the groups gnomAD compares: Middle Eastern, 0.23%; 2 homozygotes.

Submission:

CeGaT Center for Human Genetics Tuebingen
Classification: Likely benign. Last evaluated: 2026-03-01. Review status: criteria provided, single submitter. Criteria: CeGaT Center For Human Genetics Tuebingen Variant Classification Criteria Version 2. Collection method: clinical testing. Allele origin: germline. Affected: yes. Observed: 1 variant allele.
Comment: MAST3: BP4, BP7